The following is an entry in ClinVar:

ClinVar aggregate classification (germline): Pathogenic; other. Review status: no assertion criteria provided (0 of 4 stars). 4 submissions from 3 submitters: Pathogenic (2). Last evaluated 2016-07-20.

Conditions:
Alpha-1-antitrypsin deficiency (A1ATD). Also called: AAT deficiency; A1AT deficiency; Alpha1-Antitrypsin Deficiency. Identifiers: Orphanet 60, MedGen C0221757, MONDO:0013282, OMIM 613490.
PI NULL(LUDWIGSHAFEN).
PI Q0(LUDWIGSHAFEN).

Submissions (4):

OMIM
Classification: other for PI NULL(LUDWIGSHAFEN). Last evaluated: 2016-07-20. Review status: no assertion criteria provided. Collection method: literature only. Allele origin: germline.

OMIM
Classification: other for PI Q0(LUDWIGSHAFEN). Last evaluated: 2016-07-20. Review status: no assertion criteria provided. Collection method: literature only. Allele origin: germline.

Department of Laboratory Medicine and Genetics, Trillium Health Partners Credit Valley Hospital
Classification: Pathogenic for Alpha-1-antitrypsin deficiency. Last evaluated: 2014-12-08. Review status: no assertion criteria provided. Collection method: curation. Allele origin: germline. Affected: yes.
Comment: Reduced enzyme activity

Rare null allele

GeneReviews
Classification: Pathogenic for Alpha-1-antitrypsin deficiency. Last evaluated: 2014-05-01. Review status: no assertion criteria provided. Collection method: literature only. Allele origin: germline. Affected: yes.
Comment: Disease association: lung, liver

Literature cited by the submitters: PubMed 2185272 (cited by OMIM); PubMed 2807278 (cited by OMIM); PubMed 2254451 (cited by Department of Laboratory Medicine and Genetics, Trillium Health Partners Credit Valley Hospital); PubMed 14985567 (cited by GeneReviews).

NM_001127701.1(SERPINA1):c.347T>A (p.Ile116Asn)

Gene: SERPINA1 (serpin family A member 1; minus strand). Cytogenetic location: 14q32.13.
Variant type: single nucleotide variant.
Coding change: c.347T>A on transcript NM_001127701.1; coding-DNA position 347, T replaced by A.
Protein change: p.Ile116Asn; replaces isoleucine 116 with asparagine.
Molecular consequence: missense variant (on NM_000295.5).
Genome position (GRCh38, 1-based): chr14:94,382,891, A>T on the plus strand (T>A on the coding strand, the complement: SERPINA1 is on the minus strand). VCF-style: chr14-94382891-A-T. GRCh37 (hg19) VCF-style: chr14-94849228-A-T.
Other names: I92N; PI Q0(LUDWIGSHAFEN); SERPINA1, ILE92ASN; c.347T>A, p.Ile116Asn (NM_000295.5, NM_001002235.3, NM_001002236.3 and 8 more transcripts); short protein forms I116N.
Identifiers: ClinVar variation 17987 (VCV000017987.3), dbSNP rs28931572, ClinGen allele CA127736.